The following is an entry in ClinVar:

ClinVar aggregate classification (germline): Uncertain significance (1 of 4 stars; one submission).

Conditions:
Pyridoxine-dependent epilepsy (EPEO4). Also called: Pyridoxine-Dependent Seizures; Pyridoxine-Dependent Epilepsy - ALDH7A1; PYRIDOXINE DEPENDENCY WITH SEIZURES; EPILEPSY, EARLY-ONSET, 4, VITAMIN B6-DEPENDENT. Identifiers: Orphanet 3006, MedGen C1849508, MONDO:0009945, OMIM 266100. Disease mechanism: loss of function.

Submission:

Labcorp Genetics (formerly Invitae), Labcorp
Classification: Uncertain significance for Pyridoxine-dependent epilepsy. Last evaluated: 2024-06-10. Review status: criteria provided, single submitter. Criteria: Invitae Variant Classification Sherloc (09022015). Collection method: clinical testing. Allele origin: germline.
Comment: This sequence change replaces glycine, which is neutral and non-polar, with alanine, which is neutral and non-polar, at codon 20 of the ALDH7A1 protein (p.Gly20Ala). This variant is not present in population databases (gnomAD no frequency). This variant has not been reported in the literature in individuals affected with ALDH7A1-related conditions. Algorithms developed to predict the effect of missense changes on protein structure and function output the following: SIFT: "Not Available"; PolyPhen-2: "Benign"; Align-GVGD: "Not Available". The alanine amino acid residue is found in multiple mammalian species, which suggests that this missense change does not adversely affect protein function. In summary, the available evidence is currently insufficient to determine the role of this variant in disease. Therefore, it has been classified as a Variant of Uncertain Significance.

NM_001182.5(ALDH7A1):c.59G>C (p.Gly20Ala)

Gene: ALDH7A1 (aldehyde dehydrogenase 7 family member A1; minus strand). Cytogenetic location: 5q23.2.
Variant type: single nucleotide variant.
Coding change: c.59G>C on transcript NM_001182.5 (MANE Select); coding-DNA position 59, G replaced by C.
Protein change: p.Gly20Ala; replaces glycine 20 with alanine.
Molecular consequence: missense variant. On other transcripts: 5 prime UTR variant (1).
Genome position (GRCh38, 1-based): chr5:126,595,140, C>G on the plus strand (G>C on the coding strand, the complement: ALDH7A1 is on the minus strand). VCF-style: chr5-126595140-C-G. GRCh37 (hg19) VCF-style: chr5-125930832-C-G.
Other names: c.-26G>C (NM_001201377.2); c.59G>C, p.Gly20Ala (NM_001202404.2); short protein forms G20A.
Identifiers: ClinVar variation 2111801 (VCV002111801.4), dbSNP rs2480373150, ClinGen allele CA360733931.
Genomic context (GRCh38, chr5:126,595,140, plus strand): 5'-GCATACTGGGGCTGATTGATGAGGAGAGTGGACATGAAGGCGGCAGGCCTGCTCCAAGGT[C>G]CAGAGAGCTTGCTGGTCTTTGCAGCGTGCACACACAGCGCGCGAGGAAGGCGCCACATAC-3'
Protein context (NP_001173.2, residues 10-30): VHAAKTSKLS[Gly20Ala]PWSRPAAFMS